The following is an entry in ClinVar:

ClinVar aggregate classification (germline): Uncertain significance. Review status: criteria provided, multiple submitters, no conflicts (2 of 4 stars). 3 submissions from 3 submitters: Uncertain significance (3). Last evaluated 2023-12-15.

Conditions:
Inborn genetic diseases. Identifiers: MedGen C0950123, MeSH D030342.

Allele frequency attached by ClinVar (database versions not stated): gnomAD exomes below 0.00001 and 0.00001; TOPMed below 0.00001; gnomAD 0.00001.
gnomAD v4.1: 6 of 1,600,996 alleles (0.00037%); highest among the groups gnomAD compares: Non-Finnish European, 0.00051%; no homozygotes.

Submissions (3):

GeneDx
Classification: Uncertain significance. Last evaluated: 2023-12-15. Review status: criteria provided, single submitter. Criteria: GeneDx Variant Classification Process June 2021. Collection method: clinical testing. Allele origin: germline. Affected: yes.
Comment: Has not been previously published as pathogenic or benign to our knowledge; Not observed at significant frequency in large population cohorts (gnomAD); In silico analysis supports a deleterious effect on splicing

Ambry Genetics
Classification: Uncertain significance for Inborn genetic diseases. Last evaluated: 2022-07-08. Review status: criteria provided, single submitter. Criteria: Ambry Variant Classification Scheme 2023. Collection method: clinical testing. Allele origin: germline.
Comment: The c.2266+3A>G intronic alteration consists of a A to G substitution nucleotides after coding exon 13 in the AHI1 gene. Based on insufficient or conflicting evidence, the clinical significance of this alteration remains unclear.

CeGaT Center for Human Genetics Tuebingen
Classification: Uncertain significance. Last evaluated: 2017-07-01. Review status: criteria provided, single submitter. Criteria: CeGaT Center For Human Genetics Tuebingen Variant Classification Criteria Version 2. Collection method: clinical testing. Allele origin: germline. Affected: yes. Observed: 1 variant allele.

NM_001134831.2(AHI1):c.2266+3A>G

Gene: AHI1 (Abelson helper integration site 1; minus strand). Cytogenetic location: 6q23.3.
Variant type: single nucleotide variant.
Coding change: c.2266+3A>G on transcript NM_001134831.2 (MANE Select); 3 bases into the intron after coding-DNA position 2266, A replaced by G.
Molecular consequence: intron variant.
Genome position (GRCh38, 1-based): chr6:135,433,024, T>C on the plus strand (A>G on the coding strand, the complement: AHI1 is on the minus strand). VCF-style: chr6-135433024-T-C. GRCh37 (hg19) VCF-style: chr6-135754162-T-C.
Other names: c.2266+3A>G (NM_001134830.2, NM_001350503.2, NM_017651.5 and 3 more transcripts).
Identifiers: ClinVar variation 809997 (VCV000809997.44), dbSNP rs1220929193, ClinGen allele CA570558485.